The following is an entry in ClinVar:

ClinVar aggregate classification (germline): Uncertain significance. Review status: criteria provided, multiple submitters, no conflicts (2 of 4 stars). 2 submissions from 2 submitters: Uncertain significance (2). Last evaluated 2025-12-23.

Conditions:
Inborn genetic diseases. Identifiers: MedGen C0950123, MeSH D030342.

gnomAD v4.1: 61 of 1,613,910 alleles (0.0038%); highest among the groups gnomAD compares: Admixed American, 0.01%; no homozygotes.

Submissions (2):

GeneDx
Classification: Uncertain significance. Last evaluated: 2025-12-23. Review status: criteria provided, single submitter. Criteria: GeneDx Variant Classification Process June 2021. Collection method: clinical testing. Allele origin: germline.
Comment: In silico analysis supports that this missense variant has a deleterious effect on protein structure/function; Has not been previously published as pathogenic or benign to our knowledge

Ambry Genetics
Classification: Uncertain significance for Inborn genetic diseases. Last evaluated: 2025-03-15. Review status: criteria provided, single submitter. Criteria: Ambry Variant Classification Scheme 2023. Collection method: clinical testing. Allele origin: germline.

NM_004667.6(HERC2):c.6734A>T (p.Gln2245Leu)

Gene: HERC2 (HECT and RLD domain containing E3 ubiquitin protein ligase 2; minus strand). Cytogenetic location: 15q13.1.
Variant type: single nucleotide variant.
Coding change: c.6734A>T on transcript NM_004667.6 (MANE Select); coding-DNA position 6734, A replaced by T.
Protein change: p.Gln2245Leu; replaces glutamine 2245 with leucine.
Molecular consequence: missense variant.
Genome position (GRCh38, 1-based): chr15:28,213,794, T>A on the plus strand (A>T on the coding strand, the complement: HERC2 is on the minus strand). VCF-style: chr15-28213794-T-A. GRCh37 (hg19) VCF-style: chr15-28458940-T-A.
Other names: c.6734A>T (NM_004667.4); short protein forms Q2245L.
Identifiers: ClinVar variation 3392618 (VCV003392618.3).
Genomic context (GRCh38, chr15:28,213,794, plus strand): 5'-TCACCTACTGGTTTCAGCTGATTCAATGGGCAAACGCGACACGTCCGCATGTCAGAGAAC[T>A]GCACGGTGATTTTGCCCTTTGGGGTGATGCGAGTCACAGTGCCTTCTCCAAACTCATCGT-3'
Protein context (NP_004658.3, residues 2235-2255): RITPKGKITV[Gln2245Leu]FSDMRTCRVC